The following is an entry in ClinVar:

ClinVar aggregate classification (germline): Uncertain significance (1 of 4 stars; one submission).

Conditions:
Optic atrophy 3 (OPA3). Also called: Optic atrophy 3 with cataract; OPTIC ATROPHY 3, AUTOSOMAL DOMINANT; Optic atrophy, cataract, and neurologic disorder. Identifiers: Orphanet 67036, MedGen C1833809, MONDO:0008133, OMIM 165300.
3-Methylglutaconic aciduria type 3 (MGCA3). Also called: OPA3-Related 3-Methylglutaconic Aciduria; Costeff Syndrome; OPA3, AUTOSOMAL RECESSIVE; OPTIC ATROPHY 3, AUTOSOMAL RECESSIVE. Identifiers: Orphanet 67047, MedGen C0574084, MONDO:0009787, OMIM 258501.

Allele frequency attached by ClinVar (database versions not stated): ExAC 0.00001.
gnomAD v4.1: 1 of 1,613,178 alleles (0.000062%); highest among the groups gnomAD compares: Admixed American, 0.0017%; no homozygotes.

Submission:

Labcorp Genetics (formerly Invitae), Labcorp
Classification: Uncertain significance for 3-Methylglutaconic aciduria type 3; Optic atrophy 3. Last evaluated: 2025-01-13. Review status: criteria provided, single submitter. Criteria: Invitae Variant Classification Sherloc (09022015). Collection method: clinical testing. Allele origin: germline.
Comment: This sequence change replaces valine, which is neutral and non-polar, with methionine, which is neutral and non-polar, at codon 92 of the OPA3 protein (p.Val92Met). This variant is present in population databases (rs752893027, gnomAD 0.0009%). This variant has not been reported in the literature in individuals affected with OPA3-related conditions. ClinVar contains an entry for this variant (Variation ID: 1427439). An algorithm developed to predict the effect of missense changes on protein structure and function (PolyPhen-2) suggests that this variant is likely to be disruptive. In summary, the available evidence is currently insufficient to determine the role of this variant in disease. Therefore, it has been classified as a Variant of Uncertain Significance.

NM_025136.4(OPA3):c.274G>A (p.Val92Met)

Genes: OPA3 (outer mitochondrial membrane lipid metabolism regulator OPA3; minus strand), OPA3-RTN2 (OPA3-RTN2 readthrough; minus strand). Cytogenetic location: 19q13.32.
Variant type: single nucleotide variant.
Coding change: c.274G>A on transcript NM_025136.4 (MANE Select); coding-DNA position 274, G replaced by A.
Protein change: p.Val92Met; replaces valine 92 with methionine.
Molecular consequence: missense variant. On other transcripts: intron variant (1).
Genome position (GRCh38, 1-based): chr19:45,553,780, C>T on the plus strand (G>A on the coding strand, the complement: OPA3 is on the minus strand). VCF-style: chr19-45553780-C-T. GRCh37 (hg19) VCF-style: chr19-46057038-C-T.
Other names: c.143-24324G>A (NM_001017989.3); short protein forms V92M.
Identifiers: ClinVar variation 1427439 (VCV001427439.5), dbSNP rs752893027, ClinGen allele CA9517425.